The following is an entry in ClinVar:

ClinVar aggregate classification (germline): Uncertain significance (1 of 4 stars; one submission).

Submission:

Labcorp Genetics (formerly Invitae), Labcorp
Classification: Uncertain significance. Last evaluated: 2022-08-09. Review status: criteria provided, single submitter. Criteria: Invitae Variant Classification Sherloc (09022015). Collection method: clinical testing. Allele origin: germline.
Comment: In summary, the available evidence is currently insufficient to determine the role of this variant in disease. Therefore, it has been classified as a Variant of Uncertain Significance. This variant has not been reported in the literature in individuals affected with DUOX2-related conditions. ClinVar contains an entry for this variant (Variation ID: 1385313). Advanced modeling of protein sequence and biophysical properties (such as structural, functional, and spatial information, amino acid conservation, physicochemical variation, residue mobility, and thermodynamic stability) performed at Invitae indicates that this missense variant is not expected to disrupt DUOX2 protein function. This variant is not present in population databases (gnomAD no frequency). This sequence change replaces valine, which is neutral and non-polar, with phenylalanine, which is neutral and non-polar, at codon 1533 of the DUOX2 protein (p.Val1533Phe).

NM_001363711.2(DUOX2):c.4597G>T (p.Val1533Phe)

Gene: DUOX2 (dual oxidase 2; minus strand). Cytogenetic location: 15q21.1.
Variant type: single nucleotide variant.
Coding change: c.4597G>T on transcript NM_001363711.2 (MANE Select); coding-DNA position 4597, G replaced by T.
Protein change: p.Val1533Phe; replaces valine 1533 with phenylalanine.
Molecular consequence: missense variant.
Genome position (GRCh38, 1-based): chr15:45,094,200, C>A on the plus strand (G>T on the coding strand, the complement: DUOX2 is on the minus strand). VCF-style: chr15-45094200-C-A. GRCh37 (hg19) VCF-style: chr15-45386398-C-A.
Other names: c.4597G>T, p.Val1533Phe (NM_014080.5); short protein forms V1533F.
Identifiers: ClinVar variation 1385313 (VCV001385313.8), dbSNP rs748789760, ClinGen allele CA392249115.